The following is an entry in ClinVar:

NM_001199799.2(ILDR1):c.532G>C (p.Ala178Pro)

Gene: ILDR1 (immunoglobulin like domain containing receptor 1; minus strand). Cytogenetic location: 3q13.33.
Variant type: single nucleotide variant.
Coding change: c.532G>C on transcript NM_001199799.2 (MANE Select); coding-DNA position 532, G replaced by C.
Protein change: p.Ala178Pro; replaces alanine 178 with proline.
Molecular consequence: missense variant. On other transcripts: intron variant (1).
Genome position (GRCh38, 1-based): chr3:122,001,422, C>G on the plus strand (G>C on the coding strand, the complement: ILDR1 is on the minus strand). VCF-style: chr3-122001422-C-G. GRCh37 (hg19) VCF-style: chr3-121720269-C-G.
Other names: c.532G>C (NM_001199799.1); c.532G>C, p.Ala178Pro (NM_175924.4); c.379+3822G>C (NM_001199800.2); short protein forms A178P.
Identifiers: ClinVar variation 4963805 (VCV004963805.2).

ClinVar aggregate classification (germline): Uncertain significance. Review status: criteria provided, multiple submitters, no conflicts (2 of 4 stars). 2 submissions from 2 submitters: Uncertain significance (2). Last evaluated 2026-02-13.

gnomAD v4.1: 42 of 1,614,124 alleles (0.0026%); highest among the groups gnomAD compares: African/African-American, 0.052%; no homozygotes.

Submissions (2):

GeneDx
Classification: Uncertain significance. Last evaluated: 2026-02-13. Review status: criteria provided, single submitter. Criteria: GeneDx Variant Classification Process June 2021. Collection method: clinical testing. Allele origin: germline.
Comment: In silico analysis supports that this missense variant has a deleterious effect on protein structure/function; Has not been previously published as pathogenic or benign to our knowledge

Blueprint Genetics
Classification: Uncertain significance. Last evaluated: 2023-08-28. Review status: criteria provided, single submitter. Criteria: ACMG Guidelines, 2015. Collection method: clinical testing. Allele origin: germline.